The following is an entry in ClinVar:

ClinVar aggregate classification (germline): Uncertain significance (1 of 4 stars; one submission).

Conditions:
Hereditary cancer-predisposing syndrome. Also called: Neoplastic Syndromes, Hereditary; Hereditary Cancer Syndrome; Tumor predisposition; Hereditary neoplastic syndrome. Identifiers: Orphanet 140162, MedGen C0027672, MeSH D009386, MONDO:0015356.

Submission:

Labcorp Genetics (formerly Invitae), Labcorp
Classification: Uncertain significance for Hereditary cancer-predisposing syndrome. Last evaluated: 2023-08-18. Review status: criteria provided, single submitter. Criteria: Invitae Variant Classification Sherloc (09022015). Collection method: clinical testing. Allele origin: germline.
Comment: This variant, c.1214_1216del, results in the deletion of 1 amino acid(s) of the RAD50 protein (p.Glu405del), but otherwise preserves the integrity of the reading frame. This variant is present in population databases (no rsID available, gnomAD no frequency). This variant has not been reported in the literature in individuals affected with RAD50-related conditions. Experimental studies and prediction algorithms are not available or were not evaluated, and the functional significance of this variant is currently unknown. In summary, the available evidence is currently insufficient to determine the role of this variant in disease. Therefore, it has been classified as a Variant of Uncertain Significance.

NM_005732.4(RAD50):c.1211AAG[1] (p.Glu405del)

Gene: RAD50 (RAD50 double strand break repair protein; plus strand). Cytogenetic location: 5q31.1.
Variant type: Microsatellite.
Coding change: c.1211AAG[1] on transcript NM_005732.4 (MANE Select); one copy of the 3-base unit AAG starting at c.1211; the reference has two copies in a row; one copy, 3 bases deleted.
Protein change: p.Glu405del; deletes glutamic acid 405.
Molecular consequence: inframe deletion.
Genome position (GRCh38, 1-based): chr5:132,588,849-132,588,851, AAG deleted; deleting any 3 consecutive bases within chr5:132,588,846-132,588,851 gives the same sequence; the position shown is the placement nearest the transcript's 3' end. VCF-style (leftmost placement, unchanged base first): chr5-132588845-CAAG-C. GRCh37 (hg19) VCF-style: chr5-131924537-CAAG-C.
Other names: short protein forms E405del.
Identifiers: ClinVar variation 2919936 (VCV002919936.3), dbSNP rs1225563792, ClinGen allele CA563057503.